The following is an entry in ClinVar:

ClinVar aggregate classification (germline): Conflicting classifications of pathogenicity. Review status: criteria provided, conflicting classifications (1 of 4 stars). 3 submissions from 3 submitters: Uncertain significance (2); Likely benign (1). Last evaluated 2025-07-20.

Conditions:
Developmental and epileptic encephalopathy, 42 (DEE42A). Also called: DEVELOPMENTAL AND EPILEPTIC ENCEPHALOPATHY 42A; EPILEPTIC ENCEPHALOPATHY, EARLY INFANTILE, 42A; Epileptic encephalopathy, early infantile, 42. Identifiers: MedGen C4310716, MONDO:0014917, OMIM 617106.
Episodic ataxia type 2 (EA2). Also called: ATAXIA, EPISODIC, WITH NYSTAGMUS; ATAXIA, FAMILIAL PAROXYSMAL; CEREBELLAR ATAXIA, PAROXYSMAL, ACETAZOLAMIDE-RESPONSIVE; CEREBELLOPATHY, HEREDITARY PAROXYSMAL; EPISODIC ATAXIA, NYSTAGMUS-ASSOCIATED; ACETAZOLAMIDE-RESPONSIVE HEREDITARY PAROXYSMAL CEREBELLAR ATAXIA. Identifiers: Orphanet 97, MedGen C1720416, MONDO:0007163, OMIM 108500.
Spinocerebellar ataxia type 6 (SCA6). Identifiers: Orphanet 98758, MedGen C0752124, MONDO:0008457, OMIM 183086.
Migraine, familial hemiplegic, 1. Also called: MIGRAINE, FAMILIAL HEMIPLEGIC 1, WITH PROGRESSIVE CEREBELLAR ATAXIA. Identifiers: Orphanet 569, MedGen C1832884, MONDO:0020756, OMIM 141500, MONDO:0007714.

Allele frequency attached by ClinVar (database versions not stated): TOPMed below 0.00001; gnomAD 0.00001; gnomAD exomes 0.00003; ExAC 0.00011.
gnomAD v4.1: 36 of 1,520,620 alleles (0.0024%); highest among the groups gnomAD compares: South Asian, 0.012%; no homozygotes.

Submissions (3):

Labcorp Genetics (formerly Invitae), Labcorp
Classification: Likely benign for Developmental and epileptic encephalopathy, 42; Episodic ataxia type 2. Last evaluated: 2025-07-20. Review status: criteria provided, single submitter. Criteria: Invitae Variant Classification Sherloc (09022015). Collection method: clinical testing. Allele origin: germline.

GeneDx
Classification: Uncertain significance. Last evaluated: 2024-09-17. Review status: criteria provided, single submitter. Criteria: GeneDx Variant Classification Process June 2021. Collection method: clinical testing. Allele origin: germline. Affected: yes.
Comment: Reported as an inherited variant in an individual with intellectual disability and dysmorphic features, without mention of other features of a CACNA1A-related disorder (PMID: 34356170); In silico analysis indicates that this missense variant does not alter protein structure/function; This variant is associated with the following publications: (PMID: 34356170)

Fulgent Genetics
Classification: Uncertain significance for Episodic ataxia type 2; Migraine, familial hemiplegic, 1; Spinocerebellar ataxia type 6; Developmental and epileptic encephalopathy, 42. Last evaluated: 2021-07-22. Review status: criteria provided, single submitter. Criteria: ACMG Guidelines, 2015. Collection method: clinical testing. Allele origin: unknown.

NM_001127222.2(CACNA1A):c.2992G>A (p.Gly998Arg)

Gene: CACNA1A (calcium voltage-gated channel subunit alpha1 A; minus strand). Cytogenetic location: 19p13.13.
Variant type: single nucleotide variant.
Coding change: c.2992G>A on transcript NM_001127222.2 (MANE Select); coding-DNA position 2992, G replaced by A.
Protein change: p.Gly998Arg; replaces glycine 998 with arginine.
Molecular consequence: missense variant.
Genome position (GRCh38, 1-based): chr19:13,298,641, C>T on the plus strand (G>A on the coding strand, the complement: CACNA1A is on the minus strand). VCF-style: chr19-13298641-C-T. GRCh37 (hg19) VCF-style: chr19-13409455-C-T.
Other names: c.3004G>A, p.Gly1002Arg (NM_000068.4, NM_023035.3); c.2995G>A, p.Gly999Arg (NM_001127221.2, NM_001174080.2); short protein forms G1002R, G998R, G999R.
Identifiers: ClinVar variation 1460493 (VCV001460493.10), dbSNP rs781006387, ClinGen allele CA9240442.
Genomic context (GRCh38, chr19:13,298,641, plus strand): 5'-GCGCGTCCCCCTCGTACGTGGCTGGAGCGCCATGCCGGTGCCTTCTCCTGCGCTCGCCCC[C>T]GTCGGGGCCCTCGCCCTCGCCCTCGCCGCCCCGGGCCGGCCGGCTGCCCTCGCGGTGCCG-3'
Protein context (NP_001120694.1, residues 988-1008): GGEGEGEGPD[Gly998Arg]GERRRRHRHG